The following is an entry in ClinVar:

ClinVar aggregate classification (germline): Uncertain significance. Review status: criteria provided, multiple submitters, no conflicts (2 of 4 stars). 2 submissions from 2 submitters: Uncertain significance (2). Last evaluated 2024-07-09.

Conditions:
Gorlin syndrome. Also called: Basal cell nevus syndrome; Nevoid Basal Cell Carcinoma Syndrome. Identifiers: Orphanet 377, MedGen C0004779, MONDO:0007187.
Hereditary cancer-predisposing syndrome. Also called: Hereditary Cancer Syndrome; Tumor predisposition; Hereditary neoplastic syndrome; Neoplastic Syndromes, Hereditary. Identifiers: Orphanet 140162, MedGen C0027672, MeSH D009386, MONDO:0015356.

Submissions (2):

Ambry Genetics
Classification: Uncertain significance for Hereditary cancer-predisposing syndrome. Last evaluated: 2024-07-09. Review status: criteria provided, single submitter. Criteria: Ambry Variant Classification Scheme 2023. Collection method: clinical testing. Allele origin: germline.
Comment: The p.S18I variant (also known as c.53G>T), located in coding exon 1 of the PTCH1 gene, results from a G to T substitution at nucleotide position 53. The serine at codon 18 is replaced by isoleucine, an amino acid with dissimilar properties. This amino acid position is conserved. In addition, this alteration is predicted to be tolerated by in silico analysis. Based on the available evidence, the clinical significance of this variant remains unclear.

Labcorp Genetics (formerly Invitae), Labcorp
Classification: Uncertain significance for Gorlin syndrome. Last evaluated: 2022-05-31. Review status: criteria provided, single submitter. Criteria: Invitae Variant Classification Sherloc (09022015). Collection method: clinical testing. Allele origin: germline.
Comment: This sequence change replaces serine, which is neutral and polar, with isoleucine, which is neutral and non-polar, at codon 18 of the PTCH1 protein (p.Ser18Ile). This variant is not present in population databases (gnomAD no frequency). This variant has not been reported in the literature in individuals affected with PTCH1-related conditions. Advanced modeling of protein sequence and biophysical properties (such as structural, functional, and spatial information, amino acid conservation, physicochemical variation, residue mobility, and thermodynamic stability) performed at Invitae indicates that this missense variant is not expected to disrupt PTCH1 protein function. In summary, the available evidence is currently insufficient to determine the role of this variant in disease. Therefore, it has been classified as a Variant of Uncertain Significance.

NM_000264.5(PTCH1):c.53G>T (p.Ser18Ile)

Genes: PTCH1 (patched 1; minus strand), LOC130002133 (ATAC-STARR-seq lymphoblastoid silent region 20071; plus strand). Cytogenetic location: 9q22.32.
Variant type: single nucleotide variant.
Coding change: c.53G>T on transcript NM_000264.5 (MANE Select); coding-DNA position 53, G replaced by T.
Protein change: p.Ser18Ile; replaces serine 18 with isoleucine.
Molecular consequence: missense variant. On other transcripts: non-coding transcript variant (1), intron variant (3).
Genome position (GRCh38, 1-based): chr9:95,508,309, C>A on the plus strand (G>T on the coding strand, the complement: PTCH1 is on the minus strand). VCF-style: chr9-95508309-C-A. GRCh37 (hg19) VCF-style: chr9-98270591-C-A.
Other names: c.53G>T, p.Ser18Ile (NM_001354918.2); c.199-1710G>T (NM_001083603.3); c.4-1710G>T (NM_001083602.3, NM_001354919.2); short protein forms S18I.
Identifiers: ClinVar variation 2001346 (VCV002001346.5), dbSNP rs750062220, ClinGen allele CA374121509.